The following is an entry in ClinVar:

NM_000246.4(CIITA):c.276G>T (p.Arg92Ser)

Gene: CIITA (class II major histocompatibility complex transactivator; plus strand). Cytogenetic location: 16p13.13.
Variant type: single nucleotide variant.
Coding change: c.276G>T on transcript NM_000246.4 (MANE Select); coding-DNA position 276, G replaced by T.
Protein change: p.Arg92Ser; replaces arginine 92 with serine.
Molecular consequence: missense variant. On other transcripts: non-coding transcript variant (1).
Genome position (GRCh38, 1-based): chr16:10,895,745, G>T. VCF-style: chr16-10895745-G-T. GRCh37 (hg19) VCF-style: chr16-10989602-G-T.
Other names: c.276G>T (NM_000246.3); c.276G>T, p.Arg92Ser (NM_001286402.1, NM_001286403.2, NM_001379330.1 and 3 more transcripts); c.204G>T, p.Arg68Ser (NM_001379334.1); short protein forms R68S, R92S.
Identifiers: ClinVar variation 1388466 (VCV001388466.7), dbSNP rs149531285, ClinGen allele CA394726656.
Genomic context (GRCh38, chr16:10,895,745, plus strand): 5'-CATCAACTGCGACCAGTTCAGCAGGCTGTTGTGTGACATGGAAGGTGATGAAGAGACCAG[G>T]GAGGCTTATGCCAATATCGGTGAGGAAGCACCTGAGCCCAGAAAAGGACAATCAAGGGCA-3'
Protein context (NP_000237.2, residues 82-102): LCDMEGDEET[Arg92Ser]EAYANIAELD

ClinVar aggregate classification (germline): Uncertain significance. Review status: criteria provided, single submitter (1 of 4 stars). 2 submissions from 2 submitters: Uncertain significance (1). 1 of the submissions does not count toward it. Last evaluated 2023-08-17.

Conditions:
MHC class II deficiency. Also called: BLS, TYPE II; Bare lymphocyte syndrome 2. Identifiers: Orphanet 572, MedGen C5447452, MONDO:0008855.

Submissions (2):

Labcorp Genetics (formerly Invitae), Labcorp
Classification: Uncertain significance for MHC class II deficiency. Last evaluated: 2023-08-17. Review status: criteria provided, single submitter. Criteria: Invitae Variant Classification Sherloc (09022015). Collection method: clinical testing. Allele origin: germline.
Comment: In summary, the available evidence is currently insufficient to determine the role of this variant in disease. Therefore, it has been classified as a Variant of Uncertain Significance. An algorithm developed to predict the effect of missense changes on protein structure and function (PolyPhen-2) suggests that this variant is likely to be tolerated. ClinVar contains an entry for this variant (Variation ID: 1388466). This variant has not been reported in the literature in individuals affected with CIITA-related conditions. This variant is not present in population databases (gnomAD no frequency). This sequence change replaces arginine, which is basic and polar, with serine, which is neutral and polar, at codon 92 of the CIITA protein (p.Arg92Ser).

Natera, Inc.
Classification: Uncertain significance for Bare lymphocyte syndrome type II. Last evaluated: 2025-03-31. Review status: no assertion criteria provided. Collection method: clinical testing. Allele origin: germline. Not counted in ClinVar's aggregate classification.